The following is an entry in ClinVar:

NM_001283041.3(USP25):c.3333C>T (p.Ala1111=)

Gene: USP25 (ubiquitin specific peptidase 25; plus strand). Cytogenetic location: 21q21.1.
Variant type: single nucleotide variant.
Coding change: c.3333C>T on transcript NM_001283041.3 (MANE Select); coding-DNA position 3333, C replaced by T.
Protein change: p.Ala1111=; no amino-acid change (alanine 1111 retained).
Molecular consequence: synonymous variant.
Genome position (GRCh38, 1-based): chr21:15,878,430, C>T. VCF-style: chr21-15878430-C-T. GRCh37 (hg19) VCF-style: chr21-17250749-C-T.
Other names: c.3219C>T, p.Ala1073= (NM_001283042.3); c.2460C>T, p.Ala820= (NM_001352560.2, NM_001388299.1); c.1911C>T, p.Ala637= (NM_001352561.2, NM_001388300.1, NM_001388301.1); c.1902C>T, p.Ala634= (NM_001388302.1); c.3123C>T, p.Ala1041= (NM_013396.6).
Identifiers: ClinVar variation 4820811 (VCV004820811.4).
Genomic context (GRCh38, chr21:15,878,430, plus strand): 5'-TTTCCATGAGCCACCGAAGTTACCTTCATATTCCACGCATGAACTCTGTGAGCGATTTGC[C>T]CGAATCATGTTGTCCCTCAGTCGAACTCCTGCTGATGGAAGATAAACTGCACACTTTCCC-3'
Protein context (NP_001269970.1, residues 1101-1121): YSTHELCERF[Ala1111=]RIMLSLSRTP

ClinVar aggregate classification (germline): Likely benign (1 of 4 stars; one submission).

gnomAD v4.1: 3,944 of 1,614,002 alleles (0.24%); highest among the groups gnomAD compares: Middle Eastern, 0.78%; 4 homozygotes.

Submission:

CeGaT Center for Human Genetics Tuebingen
Classification: Likely benign. Last evaluated: 2026-02-01. Review status: criteria provided, single submitter. Criteria: CeGaT Center For Human Genetics Tuebingen Variant Classification Criteria Version 2. Collection method: clinical testing. Allele origin: germline. Affected: yes. Observed: 1 variant allele.
Comment: USP25: BP4, BP7